The following is an entry in ClinVar:

NM_000135.4(FANCA):c.3935-145G>C

Genes: FANCA (FA complementation group A; minus strand), ZNF276 (zinc finger protein 276; plus strand). Cytogenetic location: 16q24.3.
Variant type: single nucleotide variant.
Coding change: c.3935-145G>C on transcript NM_000135.4 (MANE Select); 145 bases into the intron before coding-DNA position 3935, G replaced by C.
Molecular consequence: intron variant. On other transcripts: 3 prime UTR variant (2), non-coding transcript variant (4).
Genome position (GRCh38, 1-based): chr16:89,739,698, C>G on the plus strand (G>C on the coding strand, the complement: FANCA is on the minus strand). VCF-style: chr16-89739698-C-G. GRCh37 (hg19) VCF-style: chr16-89806106-C-G.
Other names: c.*1452C>G (NM_001113525.2, NM_152287.4); c.3935-145G>C (NM_001286167.3).
Identifiers: ClinVar variation 1804506 (VCV001804506.1), dbSNP rs145860920, ClinGen allele CA286617407.
Genomic context (GRCh38, chr16:89,739,698, plus strand): 5'-GTACCCTGGGAGGCCTGGCTGTGGGGATAGTGTGGGGCGAACAGCCTGAGCTGAGGATAC[C>G]CAGGTACCTGTCAGCAGCTGGGAGAGGATGGGGGGGTCGACCTCTTGCAGGAGGGTGGGT-3'

ClinVar aggregate classification (germline): Likely benign (1 of 4 stars; one submission).

Allele frequency attached by ClinVar (database versions not stated): 1000 Genomes Project 0.00300; 1000 Genomes Project 30x 0.00312.
gnomAD v4.1: 897 of 1,513,912 alleles (0.059%); highest among the groups gnomAD compares: African/African-American, 1.1%; 2 homozygotes.

Submission:

GeneDx
Classification: Likely benign. Last evaluated: 2019-04-03. Review status: criteria provided, single submitter. Criteria: GeneDx Variant Classification Process June 2021. Collection method: clinical testing. Allele origin: germline. Affected: yes.
Comment: See Variant Classification Assertion Criteria.